The following is an entry in ClinVar:

ClinVar aggregate classification (germline): Uncertain significance (1 of 4 stars; one submission).

Conditions:
Mitochondrial DNA depletion syndrome 9 (MTDPS9). Also called: SUCLG1-Related Mitochondrial DNA Depletion Syndrome, Encephalomyopathic Form with Methylmalonic Aciduria. Identifiers: Orphanet 17, MedGen C3151476, MONDO:0009504, OMIM 245400.

gnomAD v4.1: 8 of 1,614,002 alleles (0.0005%); highest among the groups gnomAD compares: Admixed American, 0.0017%; no homozygotes.

Submission:

Labcorp Genetics (formerly Invitae), Labcorp
Classification: Uncertain significance for Mitochondrial DNA depletion syndrome 9. Last evaluated: 2024-12-11. Review status: criteria provided, single submitter. Criteria: Invitae Variant Classification Sherloc (09022015). Collection method: clinical testing. Allele origin: germline.
Comment: This sequence change replaces histidine, which is basic and polar, with proline, which is neutral and non-polar, at codon 95 of the SUCLG1 protein (p.His95Pro). This variant is not present in population databases (gnomAD no frequency). This variant has not been reported in the literature in individuals affected with SUCLG1-related conditions. Invitae Evidence Modeling of protein sequence and biophysical properties (such as structural, functional, and spatial information, amino acid conservation, physicochemical variation, residue mobility, and thermodynamic stability) has been performed for this missense variant. However, the output from this modeling did not meet the statistical confidence thresholds required to predict the impact of this variant on SUCLG1 protein function. In summary, the available evidence is currently insufficient to determine the role of this variant in disease. Therefore, it has been classified as a Variant of Uncertain Significance.

NM_003849.4(SUCLG1):c.284A>C (p.His95Pro)

Gene: SUCLG1 (succinate-CoA ligase GDP/ADP-forming subunit alpha; minus strand). Cytogenetic location: 2p11.2.
Variant type: single nucleotide variant.
Coding change: c.284A>C on transcript NM_003849.4 (MANE Select); coding-DNA position 284, A replaced by C.
Protein change: p.His95Pro; replaces histidine 95 with proline.
Molecular consequence: missense variant.
Genome position (GRCh38, 1-based): chr2:84,443,318, T>G on the plus strand (A>C on the coding strand, the complement: SUCLG1 is on the minus strand). VCF-style: chr2-84443318-T-G. GRCh37 (hg19) VCF-style: chr2-84670442-T-G.
Other names: short protein forms H95P.
Identifiers: ClinVar variation 3665866 (VCV003665866.2).